The following is an entry in ClinVar:

ClinVar aggregate classification (germline): Uncertain significance. Review status: criteria provided, multiple submitters, no conflicts (2 of 4 stars). 2 submissions from 2 submitters: Uncertain significance (2). Last evaluated 2024-10-28.

Conditions:
Inborn genetic diseases. Identifiers: MedGen C0950123, MeSH D030342.
Epidermolysis bullosa simplex 5B, with muscular dystrophy (EBS5B). Also called: EPIDERMOLYSIS BULLOSA SIMPLEX AND LIMB-GIRDLE MUSCULAR DYSTROPHY; Epidermolysis bullosa simplex with muscular dystrophy. Identifiers: Orphanet 257, MedGen C2931072, MONDO:0009181, OMIM 226670.
Epidermolysis bullosa simplex, Ogna type (EBS5A). Also called: Pidermolysis bullosa simplex 5A, Ogna type; EPIDERMOLYSIS BULLOSA SIMPLEX 5A, OGNA TYPE. Identifiers: Orphanet 79401, MedGen C0432317, MONDO:0007555, OMIM 131950.
Epidermolysis bullosa simplex 5C, with pyloric atresia (EBS5C). Also called: PLEC-Related Epidermolysis Bullosa with Pyloric Atresia; Epidermolysis bullosa simplex with pyloric atresia; PLEC1-Related Epidermolysis Bullosa with Pyloric Atresia. Identifiers: Orphanet 158684, MedGen C2677349, MONDO:0012807, OMIM 612138.
Autosomal recessive limb-girdle muscular dystrophy type 2Q (LGMDR17). Also called: MUSCULAR DYSTROPHY, LIMB-GIRDLE, AUTOSOMAL RECESSIVE 17. Identifiers: Orphanet 254361, MedGen C3150989, MONDO:0013390, OMIM 613723.
Epidermolysis bullosa simplex with nail dystrophy (EBS5D). Identifiers: MedGen C4225309, MONDO:0014661, OMIM 616487.

Allele frequency attached by ClinVar (database versions not stated): TOPMed below 0.00001.

Submissions (2):

Ambry Genetics
Classification: Uncertain significance for Inborn genetic diseases. Last evaluated: 2024-10-28. Review status: criteria provided, single submitter. Criteria: Ambry Variant Classification Scheme 2023. Collection method: clinical testing. Allele origin: germline.

Labcorp Genetics (formerly Invitae), Labcorp
Classification: Uncertain significance for Autosomal recessive limb-girdle muscular dystrophy type 2Q; Epidermolysis bullosa simplex, Ogna type; Epidermolysis bullosa simplex with nail dystrophy; Epidermolysis bullosa simplex 5C, with pyloric atresia; Epidermolysis bullosa simplex 5B, with muscular dystrophy. Last evaluated: 2022-10-19. Review status: criteria provided, single submitter. Criteria: Invitae Variant Classification Sherloc (09022015). Collection method: clinical testing. Allele origin: germline.
Comment: This sequence change replaces valine, which is neutral and non-polar, with isoleucine, which is neutral and non-polar, at codon 3795 of the PLEC protein (p.Val3795Ile). This variant is not present in population databases (gnomAD no frequency). This variant has not been reported in the literature in individuals affected with PLEC-related conditions. Algorithms developed to predict the effect of missense changes on protein structure and function (SIFT, PolyPhen-2, Align-GVGD) all suggest that this variant is likely to be disruptive. In summary, the available evidence is currently insufficient to determine the role of this variant in disease. Therefore, it has been classified as a Variant of Uncertain Significance.

NM_201384.3(PLEC):c.11302G>A (p.Val3768Ile)

Gene: PLEC (plectin; minus strand). Cytogenetic location: 8q24.3.
Variant type: single nucleotide variant.
Coding change: c.11302G>A on transcript NM_201384.3 (MANE Select); coding-DNA position 11302, G replaced by A.
Protein change: p.Val3768Ile; replaces valine 3768 with isoleucine.
Molecular consequence: missense variant.
Genome position (GRCh38, 1-based): chr8:143,918,519, C>T on the plus strand (G>A on the coding strand, the complement: PLEC is on the minus strand). VCF-style: chr8-143918519-C-T. GRCh37 (hg19) VCF-style: chr8-144992687-C-T.
Other names: c.11383G>A (NM_000445.3); c.11383G>A, p.Val3795Ile (NM_000445.5); c.8002G>A, p.Val2668Ile (NM_001410941.1); c.11260G>A, p.Val3754Ile (NM_201378.4); c.11236G>A, p.Val3746Ile (NM_201379.3); c.11713G>A, p.Val3905Ile (NM_201380.4); c.11206G>A, p.Val3736Ile (NM_201381.3); c.11302G>A, p.Val3768Ile (NM_201382.4); and 1 more; short protein forms V2668I, V3754I, V3905I, V3795I, V3772I, V3736I, V3746I, V3768I.
Identifiers: ClinVar variation 2148061 (VCV002148061.5), dbSNP rs1444653483, ClinGen allele CA372491512.